The following is an entry in ClinVar:

NM_000088.4(COL1A1):c.103+265G>A

Gene: COL1A1 (collagen type I alpha 1 chain; minus strand). Cytogenetic location: 17q21.33.
Variant type: single nucleotide variant.
Coding change: c.103+265G>A on transcript NM_000088.4 (MANE Select); 265 bases into the intron after coding-DNA position 103, G replaced by A.
Molecular consequence: intron variant.
Genome position (GRCh38, 1-based): chr17:50,201,146, C>T on the plus strand (G>A on the coding strand, the complement: COL1A1 is on the minus strand). VCF-style: chr17-50201146-C-T. GRCh37 (hg19) VCF-style: chr17-48278507-C-T.
Identifiers: ClinVar variation 683324 (VCV000683324.1), dbSNP rs9898186, ClinGen allele CA14450309.

ClinVar aggregate classification (germline): Benign (1 of 4 stars; one submission).

Allele frequency attached by ClinVar (database versions not stated): 1000 Genomes Project 0.22005; 1000 Genomes Project 30x 0.22954; gnomAD 0.25078 and 0.25975; TOPMed 0.26068.
gnomAD v4.1: 38,149 of 152,190 alleles (25%); highest among the groups gnomAD compares: African/African-American, 42%; 5,763 homozygotes.

Submission:

GeneDx
Classification: Benign. Last evaluated: 2018-06-19. Review status: criteria provided, single submitter. Criteria: GeneDx Variant Classification (06012015). Collection method: clinical testing. Allele origin: germline. Affected: yes.
Comment: This variant is considered likely benign or benign based on one or more of the following criteria: it is a conservative change, it occurs at a poorly conserved position in the protein, it is predicted to be benign by multiple in silico algorithms, and/or has population frequency not consistent with disease.